The following is an entry in ClinVar:

ClinVar aggregate classification (germline): Uncertain significance (1 of 4 stars; one submission).

Submission:

Labcorp Genetics (formerly Invitae), Labcorp
Classification: Uncertain significance. Last evaluated: 2023-06-25. Review status: criteria provided, single submitter. Criteria: Invitae Variant Classification Sherloc (09022015). Collection method: clinical testing. Allele origin: germline.
Comment: This variant is not present in population databases (gnomAD no frequency). In summary, the available evidence is currently insufficient to determine the role of this variant in disease. Therefore, it has been classified as a Variant of Uncertain Significance. Experimental studies and prediction algorithms are not available or were not evaluated, and the functional significance of this variant is currently unknown. This variant has not been reported in the literature in individuals affected with DDX3X-related conditions. This sequence change replaces proline, which is neutral and non-polar, with leucine, which is neutral and non-polar, at codon 371 of the DDX3X protein (p.Pro371Leu).

NM_001356.5(DDX3X):c.1112C>T (p.Pro371Leu)

Gene: DDX3X (DEAD-box helicase 3 X-linked; plus strand). Cytogenetic location: Xp11.4.
Variant type: single nucleotide variant.
Coding change: c.1112C>T on transcript NM_001356.5 (MANE Select); coding-DNA position 1112, C replaced by T.
Protein change: p.Pro371Leu; replaces proline 371 with leucine.
Molecular consequence: missense variant. On other transcripts: non-coding transcript variant (1).
Genome position (GRCh38, 1-based): chrX:41,345,266, C>T. VCF-style: chrX-41345266-C-T. GRCh37 (hg19) VCF-style: chrX-41204519-C-T.
Other names: c.1112C>T, p.Pro371Leu (NM_001193416.3); c.1064C>T, p.Pro355Leu (NM_001193417.3); c.554C>T, p.Pro185Leu (NM_001363819.1); short protein forms P185L, P355L, P371L.
Identifiers: ClinVar variation 2728812 (VCV002728812.3), dbSNP rs2519518599, ClinGen allele CA412771425.